The following is an entry in ClinVar:

ClinVar aggregate classification (germline): Uncertain significance (1 of 4 stars; one submission).

Conditions:
Hereditary cancer-predisposing syndrome. Also called: Hereditary Cancer Syndrome; Neoplastic Syndromes, Hereditary; Tumor predisposition; Hereditary neoplastic syndrome. Identifiers: Orphanet 140162, MedGen C0027672, MeSH D009386, MONDO:0015356.

Submission:

Ambry Genetics
Classification: Uncertain significance for Hereditary cancer-predisposing syndrome. Last evaluated: 2026-06-24. Review status: criteria provided, single submitter. Criteria: Ambry Variant Classification Scheme 2023. Collection method: clinical testing. Allele origin: germline.
Comment: The p.K1595R variant (also known as c.4784A>G), located in coding exon 22 of the DICER1 gene, results from an A to G substitution at nucleotide position 4784. The lysine at codon 1595 is replaced by arginine, an amino acid with highly similar properties. This amino acid position is conserved. In addition, this alteration is predicted to be tolerated by in silico analysis. Based on the available evidence, the clinical significance of this variant remains unclear.

NM_177438.3(DICER1):c.4784A>G (p.Lys1595Arg)

Gene: DICER1 (dicer 1, ribonuclease III; minus strand). Cytogenetic location: 14q32.13.
Variant type: single nucleotide variant.
Coding change: c.4784A>G on transcript NM_177438.3 (MANE Select); coding-DNA position 4784, A replaced by G.
Protein change: p.Lys1595Arg; replaces lysine 1595 with arginine.
Molecular consequence: missense variant. On other transcripts: non-coding transcript variant (6).
Genome position (GRCh38, 1-based): chr14:95,096,136, T>C on the plus strand (A>G on the coding strand, the complement: DICER1 is on the minus strand). VCF-style: chr14-95096136-T-C. GRCh37 (hg19) VCF-style: chr14-95562473-T-C.
Other names: c.4784A>G, p.Lys1595Arg (NM_001195573.1, NM_001271282.3, NM_001291628.2 and 12 more transcripts); c.4502A>G, p.Lys1501Arg (NM_001395686.1); c.4379A>G, p.Lys1460Arg (NM_001395687.1, NM_001395688.1, NM_001395689.1 and 2 more transcripts); c.4217A>G, p.Lys1406Arg (NM_001395691.1); c.3101A>G, p.Lys1034Arg (NM_001395697.1); short protein forms K1034R, K1501R, K1460R, K1595R, K1406R.
Identifiers: ClinVar variation 5035233 (VCV005035233.1).